The following is an entry in ClinVar:

NM_001190737.2(NFIB):c.1245+1G>A

Gene: NFIB (nuclear factor I B; minus strand). Cytogenetic location: 9p23.
Variant type: single nucleotide variant.
Coding change: c.1245+1G>A on transcript NM_001190737.2 (MANE Select); the canonical splice donor site of the intron after coding-DNA position 1245, G replaced by A.
Molecular consequence: splice donor variant.
Genome position (GRCh38, 1-based): chr9:14,120,439, C>T on the plus strand (G>A on the coding strand, the complement: NFIB is on the minus strand). VCF-style: chr9-14120439-C-T. GRCh37 (hg19) VCF-style: chr9-14120438-C-T.
Other names: c.1245+1G>A (NM_005596.3, NM_001369464.1, NM_001369461.1 and 1 more transcripts); c.1311+1G>A (NM_001369468.1, NM_001369462.1, NM_001369459.1 and 1 more transcripts); c.1323+1G>A (NM_001190738.2); c.1008+1G>A (NM_001369478.1, NM_001369470.1); c.1230+1G>A (NM_001369473.1); c.1233+1G>A (NM_001369472.1, NM_001369466.1, NM_001369463.1 and 1 more transcripts); c.1101+1G>A (NM_001369469.1); c.1020+1G>A (NM_001369475.1); and 6 more.
Identifiers: ClinVar variation 3764718 (VCV003764718.2).

ClinVar aggregate classification (germline): Likely pathogenic (1 of 4 stars; one submission).

Conditions:
Macrocephaly, acquired, with impaired intellectual development. Also called: MACROCEPHALY, ACQUIRED, WITH MENTAL RETARDATION. Identifiers: MedGen C4748993, MONDO:0032658, OMIM 618286.

Submission:

Juno Genomics, Hangzhou Juno Genomics, Inc
Classification: Likely pathogenic for Macrocephaly, acquired, with impaired intellectual development. Review status: criteria provided, single submitter. Criteria: ACMG Guidelines, 2015. Collection method: clinical testing. Allele origin: germline. Affected: yes.
Comment: Absent from controls (or at extremely low frequency if recessive) in Genome Aggregation Database, Exome Sequencing Project, 1000 Genomes Project, or Exome Aggregation Consortium.;Null variant in a gene where loss of function (LOF) is a known mechanism of disease.